The following is an entry in ClinVar:

ClinVar aggregate classification (germline): Uncertain significance (1 of 4 stars; one submission).

Conditions:
RYR1-related disorder. Also called: RYR1-related condition; RYR1-related disorders. Identifiers: MedGen CN239331.

Submission:

Labcorp Genetics (formerly Invitae), Labcorp
Classification: Uncertain significance for RYR1-related disorder. Last evaluated: 2021-01-13. Review status: criteria provided, single submitter. Criteria: Invitae Variant Classification Sherloc (09022015). Collection method: clinical testing. Allele origin: germline.
Comment: In summary, the available evidence is currently insufficient to determine the role of this variant in disease. Therefore, it has been classified as a Variant of Uncertain Significance. Advanced modeling of protein sequence and biophysical properties (such as structural, functional, and spatial information, amino acid conservation, physicochemical variation, residue mobility, and thermodynamic stability) performed at Invitae indicates that this missense variant is expected to disrupt RYR1 protein function. This variant has not been reported in the literature in individuals with RYR1-related conditions. This variant is not present in population databases (ExAC no frequency). This sequence change replaces leucine with glutamine at codon 632 of the RYR1 protein (p.Leu632Gln). The leucine residue is highly conserved and there is a moderate physicochemical difference between leucine and glutamine.

NM_000540.3(RYR1):c.1895T>A (p.Leu632Gln)

Gene: RYR1 (ryanodine receptor 1; plus strand). Cytogenetic location: 19q13.2.
Variant type: single nucleotide variant.
Coding change: c.1895T>A on transcript NM_000540.3 (MANE Select); coding-DNA position 1895, T replaced by A.
Protein change: p.Leu632Gln; replaces leucine 632 with glutamine.
Molecular consequence: missense variant.
Genome position (GRCh38, 1-based): chr19:38,457,600, T>A. VCF-style: chr19-38457600-T-A. GRCh37 (hg19) VCF-style: chr19-38948240-T-A.
Other names: c.1895T>A, p.Leu632Gln (NM_001042723.2); short protein forms L632Q.
Identifiers: ClinVar variation 1384218 (VCV001384218.8), dbSNP rs1261145893, ClinGen allele CA405694228.